The following is an entry in ClinVar:

ClinVar aggregate classification (germline): Likely benign (1 of 4 stars; one submission).

Allele frequency attached by ClinVar (database versions not stated): TOPMed below 0.00001.

Submission:

CeGaT Center for Human Genetics Tuebingen
Classification: Likely benign. Last evaluated: 2023-02-01. Review status: criteria provided, single submitter. Criteria: CeGaT Center For Human Genetics Tuebingen Variant Classification Criteria Version 2. Collection method: clinical testing. Allele origin: germline. Affected: yes. Observed: 1 variant allele.
Comment: CYLD: PM2:Supporting, BP4, BP7

NM_001378743.1(CYLD):c.1710A>T (p.Val570=)

Gene: CYLD (CYLD lysine 63 deubiquitinase; plus strand). Cytogenetic location: 16q12.1.
Variant type: single nucleotide variant.
Coding change: c.1710A>T on transcript NM_001378743.1 (MANE Select); coding-DNA position 1710, A replaced by T.
Protein change: p.Val570=; no amino-acid change (valine 570 retained).
Molecular consequence: synonymous variant. On other transcripts: non-coding transcript variant (1).
Genome position (GRCh38, 1-based): chr16:50,782,350, A>T. VCF-style: chr16-50782350-A-T. GRCh37 (hg19) VCF-style: chr16-50816261-A-T.
Other names: c.1701A>T, p.Val567= (NM_001042355.2, NM_001042412.3, NM_001378744.1 and 6 more transcripts); c.1671A>T, p.Val557= (NM_001378751.1, NM_001378752.1, NM_001378753.1); c.1035A>T, p.Val345= (NM_001378754.1, NM_001378755.1); c.1710A>T, p.Val570= (NM_015247.3).
Identifiers: ClinVar variation 2646517 (VCV002646517.24), dbSNP rs1359566475, ClinGen allele CA495451680.